The following is an entry in ClinVar:

ClinVar aggregate classification (germline): Pathogenic. Review status: criteria provided, multiple submitters, no conflicts (2 of 4 stars). 3 submissions from 3 submitters: Pathogenic (3). Last evaluated 2026-08-11.

Conditions:
Ehlers-Danlos syndrome, type 4 (EDSVASC). Also called: Ehlers-Danlos Syndrome Type IV; Ehlers-Danlos syndrome vascular type; Ehlers Danlos syndrome, ecchymotic type; Ehlers Danlos syndrome, arterial type; Ehlers Danlos syndrome, Sack-Barabas type. Identifiers: Orphanet 286, MedGen C0268338, MONDO:0017314, OMIM 130050.
Familial thoracic aortic aneurysm and aortic dissection (TAAD). Also called: Thoracic aortic aneurysms and dissections. Identifiers: Orphanet 91387, MedGen C4707243, MONDO:0019625.

Submissions (3):

Ambry Genetics
Classification: Pathogenic for Familial thoracic aortic aneurysm and aortic dissection. Last evaluated: 2026-08-11. Review status: criteria provided, single submitter. Criteria: Ambry Variant Classification Scheme 2023. Collection method: clinical testing. Allele origin: germline.
Comment: The c.1652delC pathogenic mutation, located in coding exon 23 of the COL3A1 gene, results from a deletion of one nucleotide at nucleotide position 1652, causing a translational frameshift with a predicted alternate stop codon (p.P551Qfs*240). This variant is considered to be rare based on population cohorts in the Genome Aggregation Database (gnomAD). This alteration is expected to result in loss of function by premature protein truncation or nonsense-mediated mRNA decay. As such, this alteration is interpreted as a disease-causing mutation.

GeneDx
Classification: Pathogenic. Last evaluated: 2022-05-19. Review status: criteria provided, single submitter. Criteria: GeneDx Variant Classification Process June 2021. Collection method: clinical testing. Allele origin: germline. Affected: yes.
Comment: Frameshift variant predicted to result in protein truncation or nonsense mediated decay in a gene for which loss-of-function is a known mechanism of disease; Not observed at significant frequency in large population cohorts (gnomAD); Has not been previously published as pathogenic or benign to our knowledge

Labcorp Genetics (formerly Invitae), Labcorp
Classification: Pathogenic for Ehlers-Danlos syndrome, type 4. Last evaluated: 2021-09-17. Review status: criteria provided, single submitter. Criteria: Invitae Variant Classification Sherloc (09022015). Collection method: clinical testing. Allele origin: germline.
Comment: While this particular variant has not been reported in the literature, loss-of-function variants in COL3A1 are known to be pathogenic (PMID: 24922459). For these reasons, this variant has been classified as Pathogenic. This sequence change deletes 1 nucleotide from exon 23 of the COL3A1 mRNA (c.1652delC), causing a frameshift at codon 551. This creates a premature translational stop signal (p.Pro551Glnfs*240) and is expected to result in an absent or disrupted protein product.

Literature cited by the submitters: PubMed 24922459 (cited by Labcorp Genetics (formerly Invitae), Labcorp).

NM_000090.4(COL3A1):c.1652del (p.Pro551fs)

Gene: COL3A1 (collagen type III alpha 1 chain; plus strand). Cytogenetic location: 2q32.2.
Variant type: Deletion.
Coding change: c.1652del on transcript NM_000090.4 (MANE Select); coding-DNA position 1652, one base deleted (C; older notation c.1652delC).
Protein change: p.Pro551fs; shifts the reading frame from proline 551.
Molecular consequence: frameshift variant.
Genome position (GRCh38, 1-based): chr2:188,996,168, C deleted; the last of 2 consecutive C bases (chr2:188,996,167-188,996,168); deleting either gives the same sequence. VCF-style (leftmost placement, unchanged base first): chr2-188996166-AC-A. GRCh37 (hg19) VCF-style: chr2-189860892-AC-A.
Other names: c.1652delC (NM_000090.3); short protein forms P551fs.
Identifiers: ClinVar variation 404299 (VCV000404299.11), dbSNP rs1060500199, ClinGen allele CA16610593.